The following is an entry in ClinVar:

ClinVar aggregate classification (germline): Uncertain significance (1 of 4 stars; one submission).

Conditions:
Alstrom syndrome (ALMS). Identifiers: Orphanet 64, MedGen C0268425, MONDO:0008763, OMIM 203800.

Allele frequency attached by ClinVar (database versions not stated): gnomAD exomes below 0.00001.
gnomAD v4.1: 1 of 1,613,862 alleles (0.000062%); highest among the groups gnomAD compares: Non-Finnish European, 0.000085%; no homozygotes.

Submission:

Labcorp Genetics (formerly Invitae), Labcorp
Classification: Uncertain significance for Alstrom syndrome. Last evaluated: 2022-02-22. Review status: criteria provided, single submitter. Criteria: Invitae Variant Classification Sherloc (09022015). Collection method: clinical testing. Allele origin: germline.
Comment: This sequence change replaces alanine, which is neutral and non-polar, with serine, which is neutral and polar, at codon 3794 of the ALMS1 protein (p.Ala3794Ser). This variant is not present in population databases (gnomAD no frequency). This variant has not been reported in the literature in individuals affected with ALMS1-related conditions. Experimental studies and prediction algorithms are not available or were not evaluated, and the functional significance of this variant is currently unknown. In summary, the available evidence is currently insufficient to determine the role of this variant in disease. Therefore, it has been classified as a Variant of Uncertain Significance.

NM_001378454.1(ALMS1):c.11377G>T (p.Ala3793Ser)

Gene: ALMS1 (ALMS1 centrosome and basal body associated protein; plus strand). Cytogenetic location: 2p13.1.
Variant type: single nucleotide variant.
Coding change: c.11377G>T on transcript NM_001378454.1 (MANE Select); coding-DNA position 11377, G replaced by T.
Protein change: p.Ala3793Ser; replaces alanine 3793 with serine.
Molecular consequence: missense variant.
Genome position (GRCh38, 1-based): chr2:73,573,254, G>T. VCF-style: chr2-73573254-G-T. GRCh37 (hg19) VCF-style: chr2-73800381-G-T.
Other names: c.11380G>T, p.Ala3794Ser (NM_015120.4); short protein forms A3793S, A3794S.
Identifiers: ClinVar variation 1985293 (VCV001985293.1), dbSNP rs2466447447, ClinGen allele CA347289367.